The following is an entry in ClinVar:

NM_001042492.3(NF1):c.3929C>A (p.Thr1310Lys)

Gene: NF1 (neurofibromin 1; plus strand). Cytogenetic location: 17q11.2.
Variant type: single nucleotide variant.
Coding change: c.3929C>A on transcript NM_001042492.3 (MANE Select); coding-DNA position 3929, C replaced by A.
Protein change: p.Thr1310Lys; replaces threonine 1310 with lysine.
Molecular consequence: missense variant.
Genome position (GRCh38, 1-based): chr17:31,235,976, C>A. VCF-style: chr17-31235976-C-A. GRCh37 (hg19) VCF-style: chr17-29562994-C-A.
Other names: c.3929C>A, p.Thr1310Lys (NM_000267.4); short protein forms T1310K.
Identifiers: ClinVar variation 480155 (VCV000480155.13), dbSNP rs1555615554, ClinGen allele CA398993185.

ClinVar aggregate classification (germline): Uncertain significance. Review status: criteria provided, multiple submitters, no conflicts (2 of 4 stars). 3 submissions from 3 submitters: Uncertain significance (3). Last evaluated 2025-09-14.

Conditions:
Cardiovascular phenotype. Identifiers: MedGen CN230736.
Hereditary cancer-predisposing syndrome. Also called: Hereditary neoplastic syndrome; Neoplastic Syndromes, Hereditary; Tumor predisposition; Hereditary Cancer Syndrome. Identifiers: Orphanet 140162, MedGen C0027672, MeSH D009386, MONDO:0015356.
Neurofibromatosis, type 1 (NF1). Also called: VON RECKLINGHAUSEN DISEASE; Peripheral type neurofibromatosis; NEUROFIBROMATOSIS, TYPE I, SOMATIC; Neurofibromatosis, type I. Identifiers: Orphanet 636, MedGen C0027831, MONDO:0018975, OMIM 162200. Disease mechanism: loss of function.

Submissions (3):

Labcorp Genetics (formerly Invitae), Labcorp
Classification: Uncertain significance for Neurofibromatosis, type 1. Last evaluated: 2025-09-14. Review status: criteria provided, single submitter. Criteria: Invitae Variant Classification Sherloc (09022015). Collection method: clinical testing. Allele origin: germline.
Comment: This sequence change replaces threonine, which is neutral and polar, with lysine, which is basic and polar, at codon 1310 of the NF1 protein (p.Thr1310Lys). This variant is not present in population databases (gnomAD no frequency). This variant has not been reported in the literature in individuals affected with NF1-related conditions. ClinVar contains an entry for this variant (Variation ID: 480155). Invitae Evidence Modeling of protein sequence and biophysical properties (such as structural, functional, and spatial information, amino acid conservation, physicochemical variation, residue mobility, and thermodynamic stability) indicates that this missense variant is expected to disrupt NF1 protein function with a positive predictive value of 80%. In summary, the available evidence is currently insufficient to determine the role of this variant in disease. Therefore, it has been classified as a Variant of Uncertain Significance.

Genome-Nilou Lab
Classification: Uncertain significance for Neurofibromatosis, type 1. Last evaluated: 2022-03-15. Review status: criteria provided, single submitter. Criteria: ACMG Guidelines, 2015. Collection method: clinical testing. Allele origin: germline. Affected: no.

Ambry Genetics
Classification: Uncertain significance for Cardiovascular phenotype; Hereditary cancer-predisposing syndrome. Last evaluated: 2016-09-09. Review status: criteria provided, single submitter. Criteria: Ambry Variant Classification Scheme 2023. Collection method: clinical testing. Allele origin: germline.
Comment: The p.T1310K variant (also known as c.3929C>A), located in coding exon 29 of the NF1 gene, results from a C to A substitution at nucleotide position 3929. The threonine at codon 1310 is replaced by lysine, an amino acid with similar properties. This variant was not reported in population based cohorts in the following databases: Database of Single Nucleotide Polymorphisms (dbSNP), NHLBI Exome Sequencing Project (ESP), and 1000 Genomes Project. In the ESP, this variant was not observed in 6503 samples (13006 alleles) with coverage at this position. To date, this alteration has been detected with an allele frequency of approximately 0.001% (greater than 175000 alleles tested) in our clinical cohort. This amino acid position is highly conserved in available vertebrate species. In addition, this alteration is predicted to be deleterious by in silico analysis. Since supporting evidence is limited at this time, the clinical significance of this alteration remains unclear.